The following is an entry in ClinVar:

ClinVar aggregate classification (germline): Benign/Likely benign. Review status: criteria provided, multiple submitters, no conflicts (2 of 4 stars). 7 submissions from 7 submitters: Benign (1); Likely benign (5). 1 of the submissions does not count toward it. Last evaluated 2026-08-01.

Conditions:
RRAS-related disorder. Also called: RRAS-related condition.
Noonan syndrome (NS). Also called: Noonan's syndrome. Identifiers: Orphanet 648, MedGen C0028326, MeSH D009634, MONDO:0018997. Disease mechanism: gain of function.

Allele frequency attached by ClinVar (database versions not stated): 1000 Genomes Project 0.00060; 1000 Genomes Project 30x 0.00078; ExAC 0.00078; gnomAD exomes 0.00090 and 0.00146; gnomAD 0.00101 and 0.00111; ESP Exome Variant Server 0.00115; TOPMed 0.00131.

Submissions (7):

CeGaT Center for Human Genetics Tuebingen
Classification: Likely benign. Last evaluated: 2026-08-01. Review status: criteria provided, single submitter. Criteria: CeGaT Center For Human Genetics Tuebingen Variant Classification Criteria Version 2. Collection method: clinical testing. Allele origin: germline. Affected: yes. Observed: 5 variant alleles.
Comment: RRAS: BP4, BP7

Labcorp Genetics (formerly Invitae), Labcorp
Classification: Likely benign for Noonan syndrome. Last evaluated: 2026-01-25. Review status: criteria provided, single submitter. Criteria: Invitae Variant Classification Sherloc (09022015). Collection method: clinical testing. Allele origin: germline.

Blueprint Genetics
Classification: Likely benign. Last evaluated: 2024-10-29. Review status: criteria provided, single submitter. Criteria: ACMG Guidelines, 2015. Collection method: clinical testing. Allele origin: germline.

Ambry Genetics
Classification: Likely benign. Last evaluated: 2022-02-17. Review status: criteria provided, single submitter. Criteria: Ambry Variant Classification Scheme 2023. Collection method: clinical testing. Allele origin: germline.

GeneDx
Classification: Likely benign. Last evaluated: 2020-08-10. Review status: criteria provided, single submitter. Criteria: GeneDx Variant Classification Process June 2021. Collection method: clinical testing. Allele origin: germline. Affected: yes.

Women's Health and Genetics/Laboratory Corporation of America, LabCorp
Classification: Benign. Last evaluated: 2017-04-11. Review status: criteria provided, single submitter. Criteria: LabCorp Variant Classification Summary - May 2015. Collection method: clinical testing. Allele origin: germline.
Comment: Variant summary: The RRAS c.379C>T (p.Leu127Leu) variant involves the alteration of a conserved nucleotide, resulting in a synonymous change. 4/5 splice prediction tools predict no significant impact on normal splicing. ESE finder predicts that this variant may affect binding of multiple ESE sites. This variant was found in 95/121076 control chromosomes from ExAC, predominantly observed in the European (Non-Finnish) subpopulation at a frequency of 0.001247 (83/66560). This frequency is about 499 times the estimated maximal expected allele frequency of a pathogenic RRAS variant (0.0000025), suggesting this is likely a benign polymorphism found primarily in the populations of European (Non-Finnish) origin. The variant of interest has not, to our knowledge, been reported in affected individuals via publications. Taken together, this variant is classified as Benign.

PreventionGenetics, part of Exact Sciences
Classification: Benign for RRAS-related condition. Last evaluated: 2019-05-29. Review status: no assertion criteria provided. Collection method: clinical testing. Allele origin: germline. Not counted in ClinVar's aggregate classification.
Comment: This variant is classified as benign based on ACMG/AMP sequence variant interpretation guidelines (Richards et al. 2015 PMID: 25741868, with internal and published modifications).

NM_006270.5(RRAS):c.379C>T (p.Leu127=)

Gene: RRAS (RAS related; minus strand). Cytogenetic location: 19q13.33.
Variant type: single nucleotide variant.
Coding change: c.379C>T on transcript NM_006270.5 (MANE Select); coding-DNA position 379, C replaced by T.
Protein change: p.Leu127=; no amino-acid change (leucine 127 retained).
Molecular consequence: synonymous variant.
Genome position (GRCh38, 1-based): chr19:49,636,693, G>A on the plus strand (C>T on the coding strand, the complement: RRAS is on the minus strand). VCF-style: chr19-49636693-G-A. GRCh37 (hg19) VCF-style: chr19-50139950-G-A.
Identifiers: ClinVar variation 457986 (VCV000457986.26), dbSNP rs145907892, ClinGen allele CA9579037.
Genomic context (GRCh38, chr19:49,636,693, plus strand): 5'-CCAGATCTGCCTTGTTCCCGACCAACACAACGGGGAAGTCGTCGCGGTCCTTGACCCGCA[G>A]AATCTGCGTGAAGAGCTTGCCCACCTCGTTGAAACTGCGAGTGAAGCCGGAGGCATGAGG-3'
Protein context (NP_006261.1, residues 117-137): NEVGKLFTQI[Leu127=]RVKDRDDFPV